The following is an entry in ClinVar:

ClinVar aggregate classification (germline): Likely benign (1 of 4 stars; one submission).

gnomAD v4.1: 38 of 1,601,852 alleles (0.0024%); highest among the groups gnomAD compares: South Asian, 0.015%; no homozygotes.

Submission:

CeGaT Center for Human Genetics Tuebingen
Classification: Likely benign. Last evaluated: 2024-09-01. Review status: criteria provided, single submitter. Criteria: CeGaT Center For Human Genetics Tuebingen Variant Classification Criteria Version 2. Collection method: clinical testing. Allele origin: germline. Affected: yes. Observed: 1 variant allele.
Comment: HERC2: BP4, BP7

NM_004667.6(HERC2):c.2703G>A (p.Ala901=)

Gene: HERC2 (HECT and RLD domain containing E3 ubiquitin protein ligase 2; minus strand). Cytogenetic location: 15q13.1.
Variant type: single nucleotide variant.
Coding change: c.2703G>A on transcript NM_004667.6 (MANE Select); coding-DNA position 2703, G replaced by A.
Protein change: p.Ala901=; no amino-acid change (alanine 901 retained).
Molecular consequence: synonymous variant.
Genome position (GRCh38, 1-based): chr15:28,256,132, C>T on the plus strand (G>A on the coding strand, the complement: HERC2 is on the minus strand). VCF-style: chr15-28256132-C-T. GRCh37 (hg19) VCF-style: chr15-28501278-C-T.
Identifiers: ClinVar variation 3388678 (VCV003388678.14).